The following is an entry in ClinVar:

NM_001283009.2(RTEL1):c.830A>G (p.Asp277Gly)

Genes: RTEL1 (regulator of telomere elongation helicase 1; plus strand), RTEL1-TNFRSF6B (RTEL1-TNFRSF6B readthrough (NMD candidate); plus strand). Cytogenetic location: 20q13.33.
Variant type: single nucleotide variant.
Coding change: c.830A>G on transcript NM_001283009.2 (MANE Select); coding-DNA position 830, A replaced by G.
Protein change: p.Asp277Gly; replaces aspartic acid 277 with glycine.
Molecular consequence: missense variant. On other transcripts: non-coding transcript variant (1).
Genome position (GRCh38, 1-based): chr20:63,674,004, A>G. VCF-style: chr20-63674004-A-G. GRCh37 (hg19) VCF-style: chr20-62305357-A-G.
Other names: c.161A>G, p.Asp54Gly (NM_001283010.1); c.830A>G, p.Asp277Gly (NM_016434.4); c.902A>G, p.Asp301Gly (NM_032957.5); short protein forms D277G, D301G, D54G.
Identifiers: ClinVar variation 4863529 (VCV004863529.1).

ClinVar aggregate classification (germline): Uncertain significance (1 of 4 stars; one submission).

Conditions:
Inborn genetic diseases. Identifiers: MedGen C0950123, MeSH D030342.

Submission:

Ambry Genetics
Classification: Uncertain significance for Inborn genetic diseases. Last evaluated: 2026-03-29. Review status: criteria provided, single submitter. Criteria: Ambry Variant Classification Scheme 2023. Collection method: clinical testing. Allele origin: germline.
Comment: The p.D277G variant (also known as c.830A>G), located in coding exon 9 of the RTEL1 gene, results from an A to G substitution at nucleotide position 830. The aspartic acid at codon 277 is replaced by glycine, an amino acid with similar properties. This amino acid position is conserved. In addition, this alteration is predicted to be tolerated by in silico analysis. Based on the available evidence, the clinical significance of this variant remains unclear.